The following is an entry in ClinVar:

NM_015102.5(NPHP4):c.1631C>G (p.Ala544Gly)

Gene: NPHP4 (nephrocystin 4; minus strand). Cytogenetic location: 1p36.31.
Variant type: single nucleotide variant.
Coding change: c.1631C>G on transcript NM_015102.5 (MANE Select); coding-DNA position 1631, C replaced by G.
Protein change: p.Ala544Gly; replaces alanine 544 with glycine.
Molecular consequence: missense variant. On other transcripts: non-coding transcript variant (1).
Genome position (GRCh38, 1-based): chr1:5,905,764, G>C on the plus strand (C>G on the coding strand, the complement: NPHP4 is on the minus strand). VCF-style: chr1-5905764-G-C. GRCh37 (hg19) VCF-style: chr1-5965824-G-C.
Other names: c.92C>G, p.Ala31Gly (NM_001291593.2); c.95C>G, p.Ala32Gly (NM_001291594.2); short protein forms A544G, A31G, A32G.
Identifiers: ClinVar variation 260545 (VCV000260545.26), dbSNP rs12093500, ClinGen allele CA554419.

ClinVar aggregate classification (germline): Benign/Likely benign. Review status: criteria provided, multiple submitters, no conflicts (2 of 4 stars). 11 submissions from 10 submitters: Benign (5); Likely benign (3). 3 of the submissions do not count toward it. Last evaluated 2026-02-02.

Conditions:
Kidney disorder. Also called: Nephropathy; renal disorder; Kidney disease; Kidney Diseases; renal disease. Identifiers: MedGen C0022658, MONDO:0005240, HP:0000112.
Nephronophthisis. Also called: Juvenile Nephronophthisis. Identifiers: Orphanet 655, MedGen C0687120, MONDO:0019005, HP:0000090.
Nephronophthisis 4 (NPHP4). Also called: NEPHRONOPHTHISIS 4, JUVENILE. Identifiers: Orphanet 655, MedGen C1847013, MONDO:0011752, OMIM 606966.
Senior-Loken syndrome 4 (SLSN4). Identifiers: Orphanet 3156, MedGen C1846979, MONDO:0011756, OMIM 606996.

Allele frequency attached by ClinVar (database versions not stated): gnomAD exomes 0.00359 and 0.00771; 1000 Genomes Project 30x 0.02655; 1000 Genomes Project 0.02536; ESP Exome Variant Server 0.02632; gnomAD 0.02638 and 0.02840; TOPMed 0.02986; ExAC 0.01149.
gnomAD v4.1: 9,441 of 1,609,506 alleles (0.59%); highest among the groups gnomAD compares: African/African-American, 9.1%; 313 homozygotes.

Submissions (11):

Labcorp Genetics (formerly Invitae), Labcorp
Classification: Benign for Nephronophthisis. Last evaluated: 2026-02-02. Review status: criteria provided, single submitter. Criteria: Invitae Variant Classification Sherloc (09022015). Collection method: clinical testing. Allele origin: germline.

Mayo Clinic Laboratories, Mayo Clinic
Classification: Benign. Last evaluated: 2023-04-03. Review status: criteria provided, single submitter. Criteria: ACMG Guidelines, 2015. Collection method: clinical testing. Allele origin: germline. Observed: 36 variant alleles.

GeneDx
Classification: Benign. Last evaluated: 2021-05-05. Review status: criteria provided, single submitter. Criteria: GeneDx Variant Classification Process June 2021. Collection method: clinical testing. Allele origin: germline. Affected: yes.

Illumina Laboratory Services, Illumina
Classification: Likely benign for Nephronophthisis 4. Last evaluated: 2017-04-27. Review status: criteria provided, single submitter. Criteria: ICSL Variant Classification Criteria 13 December 2019. Collection method: clinical testing. Allele origin: germline.
Comment: This variant was observed as part of a predisposition screen in an ostensibly healthy population. A literature search was performed for the gene, cDNA change, and amino acid change (where applicable). No publications were found based on this search. Allele frequency data from public databases allowed determination this variant is unlikely to cause disease. Therefore, this variant is classified as likely benign.

Illumina Laboratory Services, Illumina
Classification: Likely benign for Senior-Loken syndrome 4. Last evaluated: 2017-04-27. Review status: criteria provided, single submitter. Criteria: ICSL Variant Classification Criteria 13 December 2019. Collection method: clinical testing. Allele origin: germline.
Comment: the same text as in the submission from Illumina Laboratory Services, Illumina above.

Genome Diagnostics Laboratory, The Hospital for Sick Children
Classification: Benign for Kidney disorder. Last evaluated: 2016-12-12. Review status: criteria provided, single submitter. Criteria: ACMG Guidelines, 2015. Collection method: clinical testing. Allele origin: germline.

Breakthrough Genomics
Classification: Likely benign. Review status: criteria provided, single submitter. Criteria: ACMG Guidelines, 2015. Collection method: not provided. Allele origin: germline. Inheritance: Autosomal recessive inheritance. Affected: yes.

PreventionGenetics, part of Exact Sciences
Classification: Benign. Review status: criteria provided, single submitter. Criteria: ACMG Guidelines, 2015. Collection method: clinical testing. Allele origin: germline.

Clinical Genetics DNA and cytogenetics Diagnostics Lab, Erasmus MC, Erasmus Medical Center
Classification: Benign. Review status: no assertion criteria provided. Collection method: clinical testing. Allele origin: germline. Affected: yes. Study: VKGL Data-share Consensus. Not counted in ClinVar's aggregate classification.

Genome Diagnostics Laboratory, University Medical Center Utrecht
Classification: Benign. Review status: no assertion criteria provided. Collection method: clinical testing. Allele origin: germline. Affected: yes. Study: VKGL Data-share Consensus. Not counted in ClinVar's aggregate classification.

Laboratory of Diagnostic Genome Analysis, Leiden University Medical Center (LUMC)
Classification: Likely benign. Review status: no assertion criteria provided. Collection method: clinical testing. Allele origin: germline. Affected: yes. Study: VKGL Data-share Consensus. Not counted in ClinVar's aggregate classification.